The following is an entry in ClinVar:

ClinVar aggregate classification (germline): Uncertain significance. Review status: criteria provided, single submitter (1 of 4 stars). 2 submissions from 2 submitters: Uncertain significance (1). 1 of the submissions does not count toward it. Last evaluated 2022-04-25.

Conditions:
Leber congenital amaurosis (LCA). Also called: Leber's amaurosis. Identifiers: Orphanet 65, MedGen C0339527, MeSH D057130, MONDO:0018998.
Retinitis pigmentosa 12 (RP12). Also called: RP WITH OR WITHOUT PRESERVED PARAARTERIOLE RETINAL PIGMENT EPITHELIUM; RETINITIS PIGMENTOSA WITH OR WITHOUT PARAARTERIOLAR PRESERVATION OF RETINAL PIGMENT EPITHELIUM; RP WITH OR WITHOUT PPRPE. Identifiers: Orphanet 791, MedGen C1838647, MONDO:0010818, OMIM 600105.
Leber congenital amaurosis 8 (LCA8). Identifiers: Orphanet 65, MedGen C3151202, MONDO:0013453, OMIM 613835.

Allele frequency attached by ClinVar (database versions not stated): gnomAD 0.00001; TOPMed 0.00002.
gnomAD v4.1: 7 of 1,614,110 alleles (0.00043%); highest among the groups gnomAD compares: Admixed American, 0.0067%; no homozygotes.

Submissions (2):

Labcorp Genetics (formerly Invitae), Labcorp
Classification: Uncertain significance for Leber congenital amaurosis 8; Retinitis pigmentosa 12. Last evaluated: 2022-04-25. Review status: criteria provided, single submitter. Criteria: Invitae Variant Classification Sherloc (09022015). Collection method: clinical testing. Allele origin: germline.
Comment: This sequence change replaces valine, which is neutral and non-polar, with leucine, which is neutral and non-polar, at codon 554 of the CRB1 protein (p.Val554Leu). This variant is present in population databases (no rsID available, gnomAD 0.003%). This variant has not been reported in the literature in individuals affected with CRB1-related conditions. ClinVar contains an entry for this variant (Variation ID: 1011090). Advanced modeling of protein sequence and biophysical properties (such as structural, functional, and spatial information, amino acid conservation, physicochemical variation, residue mobility, and thermodynamic stability) performed at Invitae indicates that this missense variant is not expected to disrupt CRB1 protein function. In summary, the available evidence is currently insufficient to determine the role of this variant in disease. Therefore, it has been classified as a Variant of Uncertain Significance.

Natera, Inc.
Classification: Uncertain significance for Leber congenital amaurosis. Last evaluated: 2020-12-29. Review status: no assertion criteria provided. Collection method: clinical testing. Allele origin: germline. Not counted in ClinVar's aggregate classification.

NM_201253.3(CRB1):c.1660G>T (p.Val554Leu)

Gene: CRB1 (crumbs cell polarity complex component 1; plus strand). Cytogenetic location: 1q31.3.
Variant type: single nucleotide variant.
Coding change: c.1660G>T on transcript NM_201253.3 (MANE Select); coding-DNA position 1660, G replaced by T.
Protein change: p.Val554Leu; replaces valine 554 with leucine.
Molecular consequence: missense variant. On other transcripts: non-coding transcript variant (2).
Genome position (GRCh38, 1-based): chr1:197,421,488, G>T. VCF-style: chr1-197421488-G-T. GRCh37 (hg19) VCF-style: chr1-197390618-G-T.
Other names: c.1324G>T, p.Val442Leu (NM_001193640.2); c.1453G>T, p.Val485Leu (NM_001257965.2); c.1660G>T, p.Val554Leu (NM_001257966.2); short protein forms V442L, V485L, V554L.
Identifiers: ClinVar variation 1011090 (VCV001011090.7), dbSNP rs772386716, ClinGen allele CA35893630.